The following is an entry in ClinVar:

ClinVar aggregate classification (germline): Benign/Likely benign. Review status: criteria provided, multiple submitters, no conflicts (2 of 4 stars). 4 submissions from 4 submitters: Benign (3); Likely benign (1). Last evaluated 2026-02-01.

Conditions:
Sucrase-isomaltase deficiency (CSID). Also called: SI DEFICIENCY; Deficiency of isomaltase; Congenital sucrose isomaltose malabsorption; Sucrose isomaltose enzyme deficiency. Identifiers: Orphanet 35122, MedGen C1283620, MONDO:0009114, OMIM 222900.

Allele frequency attached by ClinVar (database versions not stated): ExAC 0.01575; gnomAD 0.04888 and 0.05238; 1000 Genomes Project 0.05172; 1000 Genomes Project 30x 0.05418; ESP Exome Variant Server 0.05545; TOPMed 0.05637.
gnomAD v4.1: 14,790 of 1,611,810 alleles (0.92%); highest among the groups gnomAD compares: African/African-American, 17%; 1,164 homozygotes.

Submissions (4):

Labcorp Genetics (formerly Invitae), Labcorp
Classification: Benign. Last evaluated: 2026-02-01. Review status: criteria provided, single submitter. Criteria: Invitae Variant Classification Sherloc (09022015). Collection method: clinical testing. Allele origin: germline.

Genomic Medicine Center of Excellence, King Faisal Specialist Hospital and Research Centre
Classification: Likely benign. Last evaluated: 2025-08-18. Review status: criteria provided, single submitter. Criteria: ACMG Guidelines, 2015. Collection method: clinical testing. Allele origin: germline.

Illumina Laboratory Services, Illumina
Classification: Benign for Sucrase-isomaltase deficiency. Last evaluated: 2018-01-13. Review status: criteria provided, single submitter. Criteria: ICSL Variant Classification Criteria 13 December 2019. Collection method: clinical testing. Allele origin: germline.
Comment: This variant was observed in the ICSL laboratory as part of a predisposition screen in an ostensibly healthy population. It had not been previously curated by ICSL or reported in the Human Gene Mutation Database (HGMD: prior to June 1st, 2018), and was therefore a candidate for classification through an automated scoring system. Utilizing variant allele frequency, disease prevalence and penetrance estimates, and inheritance mode, an automated score was calculated to assess if this variant is too frequent to cause the disease. Based on the score and internal cut-off values, a variant classified as benign is not then subjected to further curation. The score for this variant resulted in a classification of benign for this disease.

Breakthrough Genomics
Classification: Benign. Review status: criteria provided, single submitter. Criteria: ACMG Guidelines, 2015. Collection method: not provided. Allele origin: germline. Inheritance: Autosomal recessive inheritance. Affected: yes.

NM_001041.4(SI):c.5405C>G (p.Thr1802Ser)

Gene: SI (sucrase-isomaltase; minus strand). Cytogenetic location: 3q26.1.
Variant type: single nucleotide variant.
Coding change: c.5405C>G on transcript NM_001041.4 (MANE Select); coding-DNA position 5405, C replaced by G.
Protein change: p.Thr1802Ser; replaces threonine 1802 with serine.
Molecular consequence: missense variant.
Genome position (GRCh38, 1-based): chr3:164,982,253, G>C on the plus strand (C>G on the coding strand, the complement: SI is on the minus strand). VCF-style: chr3-164982253-G-C. GRCh37 (hg19) VCF-style: chr3-164700041-G-C.
Other names: short protein forms T1802S.
Identifiers: ClinVar variation 343999 (VCV000343999.15), dbSNP rs9917722, ClinGen allele CA2689535.